The following is an entry in ClinVar:

ClinVar aggregate classification (germline): Uncertain significance (1 of 4 stars; one submission).

Submission:

Labcorp Genetics (formerly Invitae), Labcorp
Classification: Uncertain significance. Last evaluated: 2022-12-13. Review status: criteria provided, single submitter. Criteria: Invitae Variant Classification Sherloc (09022015). Collection method: clinical testing. Allele origin: germline.
Comment: In summary, the available evidence is currently insufficient to determine the role of this variant in disease. Therefore, it has been classified as a Variant of Uncertain Significance. Advanced modeling of protein sequence and biophysical properties (such as structural, functional, and spatial information, amino acid conservation, physicochemical variation, residue mobility, and thermodynamic stability) performed at Invitae indicates that this missense variant is not expected to disrupt KMT2A protein function. This variant has not been reported in the literature in individuals affected with KMT2A-related conditions. This variant is not present in population databases (gnomAD no frequency). This sequence change replaces glutamic acid, which is acidic and polar, with glutamine, which is neutral and polar, at codon 3687 of the KMT2A protein (p.Glu3687Gln).

NM_001197104.2(KMT2A):c.11059G>C (p.Glu3687Gln)

Gene: KMT2A (lysine methyltransferase 2A; plus strand). Cytogenetic location: 11q23.3.
Variant type: single nucleotide variant.
Coding change: c.11059G>C on transcript NM_001197104.2 (MANE Select); coding-DNA position 11059, G replaced by C.
Protein change: p.Glu3687Gln; replaces glutamic acid 3687 with glutamine.
Molecular consequence: missense variant.
Genome position (GRCh38, 1-based): chr11:118,510,106, G>C. VCF-style: chr11-118510106-G-C. GRCh37 (hg19) VCF-style: chr11-118380821-G-C.
Other names: c.11149G>C, p.Glu3717Gln (NM_001412597.1); c.11050G>C, p.Glu3684Gln (NM_005933.4); short protein forms E3687Q, E3684Q, E3717Q.
Identifiers: ClinVar variation 2820568 (VCV002820568.3), dbSNP rs2134431596, ClinGen allele CA382830163.